The following is an entry in ClinVar:

ClinVar aggregate classification (germline): Uncertain significance (1 of 4 stars; one submission).

Conditions:
Familial Mediterranean fever (FMF). Also called: POLYSEROSITIS, FAMILIAL PAROXYSMAL; POLYSEROSITIS, RECURRENT; Periodic peritonitis; Benign paroxysmal peritonitis. Identifiers: Orphanet 342, MedGen C0031069, MONDO:0018088, OMIM 249100. Disease mechanism: gain of function.

gnomAD v4.1: 3 of 1,614,194 alleles (0.00019%); highest among the groups gnomAD compares: South Asian, 0.0022%; no homozygotes.

Submission:

Labcorp Genetics (formerly Invitae), Labcorp
Classification: Uncertain significance for Familial Mediterranean fever. Last evaluated: 2025-03-03. Review status: criteria provided, single submitter. Criteria: Invitae Variant Classification Sherloc (09022015). Collection method: clinical testing. Allele origin: germline.
Comment: This sequence change replaces valine, which is neutral and non-polar, with leucine, which is neutral and non-polar, at codon 722 of the MEFV protein (p.Val722Leu). This variant is present in population databases (rs104895201, gnomAD 0.003%). This variant has not been reported in the literature in individuals affected with MEFV-related conditions. ClinVar contains an entry for this variant (Variation ID: 939753). An algorithm developed to predict the effect of missense changes on protein structure and function outputs the following: PolyPhen-2: "Benign". The leucine amino acid residue is found in multiple mammalian species, which suggests that this missense change does not adversely affect protein function. In summary, the available evidence is currently insufficient to determine the role of this variant in disease. Therefore, it has been classified as a Variant of Uncertain Significance.

NM_000243.3(MEFV):c.2164G>T (p.Val722Leu)

Genes: MEFV (MEFV innate immunity regulator, pyrin; minus strand), LOC126862264 (CDK7 strongly-dependent group 2 enhancer GRCh37_chr16:3293322-3294521; plus strand). Cytogenetic location: 16p13.3.
Variant type: single nucleotide variant.
Coding change: c.2164G>T on transcript NM_000243.3 (MANE Select); coding-DNA position 2164, G replaced by T.
Protein change: p.Val722Leu; replaces valine 722 with leucine.
Molecular consequence: missense variant. On other transcripts: 3 prime UTR variant (1).
Genome position (GRCh38, 1-based): chr16:3,243,323, C>A on the plus strand (G>T on the coding strand, the complement: MEFV is on the minus strand). VCF-style: chr16-3243323-C-A. GRCh37 (hg19) VCF-style: chr16-3293323-C-A.
Other names: c.*368G>T (NM_001198536.2); short protein forms V722L.
Identifiers: ClinVar variation 939753 (VCV000939753.8), dbSNP rs104895201, ClinGen allele CA7859861.